The following is an entry in ClinVar:

NM_021224.6(ZNF462):c.4891C>T (p.Gln1631Ter)

Gene: ZNF462 (zinc finger protein 462; plus strand). Cytogenetic location: 9q31.2.
Variant type: single nucleotide variant.
Coding change: c.4891C>T on transcript NM_021224.6 (MANE Select); coding-DNA position 4891, C replaced by T.
Protein change: p.Gln1631Ter; replaces glutamine 1631 with a stop codon.
Molecular consequence: nonsense. On other transcripts: intron variant (1).
Genome position (GRCh38, 1-based): chr9:106,928,803, C>T. VCF-style: chr9-106928803-C-T. GRCh37 (hg19) VCF-style: chr9-109691084-C-T.
Other names: c.3252+1639C>T (NM_001347997.2); short protein forms Q1631*.
Identifiers: ClinVar variation 3342257 (VCV003342257.1).
Genomic context (GRCh38, chr9:106,928,803, plus strand): 5'-TCGCCCCCGAAGCTGCCAGTCCCCCTCGAGCCCGAGATGACCACTGAAGTGAGCCCTTCC[C>T]AAGTCTCCATCACTGAGGAGGAGGTGGGAGAGGAGCCCGTGTCCACTTCTCACTTCTCTA-3'

ClinVar aggregate classification (germline): Likely pathogenic (1 of 4 stars; one submission).

Conditions:
Familial cancer of breast. Also called: BREAST CANCER, FAMILIAL; hereditary breast carcinoma; Hereditary breast cancer. Identifiers: Orphanet 227535, MedGen C0346153, MONDO:0016419, OMIM 114480. Disease mechanism: loss of function.

Submission:

The Central Laboratory of Birth Defects Prevention and Control, The Affiliated Women and Children's Hospital of Ningbo University
Classification: Likely pathogenic for Familial cancer of breast. Last evaluated: 2024-09-20. Review status: criteria provided, single submitter. Criteria: ACMG Guidelines, 2015. Collection method: clinical testing. Allele origin: germline. Affected: yes.
Comment: Exome sequencing revealed a heterozygous nonsense variant, c.4891C>T:p. Glu1631Ter on the ZNF462 gene. This variant replaces base 4891 of the cDNA from a C to a T, causing codon 1631 to change from encoding glutamine to a termination codon. Consequently, this alteration may lead to protein truncation or degradation via nonsense-mediated mRNA decay, ultimately affecting protein function (PVS1). This variant is not reported in the gnomAD database (PM2_Supporting). In accordance with the applicable ACMG standards and guidelines(PMID:25741868), this variant was assessed as a possible pathogenic variant.